The following is an entry in ClinVar:

NM_024422.6(DSC2):c.549G>T (p.Arg183=)

Gene: DSC2 (desmocollin 2; minus strand). Cytogenetic location: 18q12.1.
Variant type: single nucleotide variant.
Coding change: c.549G>T on transcript NM_024422.6 (MANE Select); coding-DNA position 549, G replaced by T.
Protein change: p.Arg183=; no amino-acid change (arginine 183 retained).
Molecular consequence: synonymous variant.
Genome position (GRCh38, 1-based): chr18:31,089,520, C>A on the plus strand (G>T on the coding strand, the complement: DSC2 is on the minus strand). VCF-style: chr18-31089520-C-A. GRCh37 (hg19) VCF-style: chr18-28669483-C-A.
Other names: c.549G>T, p.Arg183= (NM_004949.5).
Identifiers: ClinVar variation 950426 (VCV000950426.11), dbSNP rs774025474, ClinGen allele CA038798.

ClinVar aggregate classification (germline): Likely benign. Review status: criteria provided, multiple submitters, no conflicts (2 of 4 stars). 3 submissions from 3 submitters: Likely benign (3). Last evaluated 2024-03-04.

Conditions:
Cardiomyopathy (CMYO). Also called: Cardiomyopathies. Identifiers: Orphanet 167848, MedGen C0878544, MONDO:0004994, HP:0001638. Inheritance: Various modes of inheritance.
Familial isolated arrhythmogenic right ventricular dysplasia. Identifiers: Orphanet 217656, MedGen C4274968, MONDO:0016342.
Arrhythmogenic right ventricular dysplasia 11. Also called: Arrhythmogenic Right Ventricular Dysplasia/Cardiomyopathy11; ARRHYTHMOGENIC RIGHT VENTRICULAR DYSPLASIA, FAMILIAL, 11; Arrhythmogenic right ventricular dysplasia 11 with mild palmoplantar keratoderma and woolly hair. Identifiers: MedGen C1864850, MONDO:0012506, OMIM 610476.

Allele frequency attached by ClinVar (database versions not stated): gnomAD exomes 0.00001 and below 0.00001; ExAC 0.00002.
gnomAD v4.1: 1 of 1,613,954 alleles (0.000062%); highest among the groups gnomAD compares: Non-Finnish European, 0.000085%; no homozygotes.

Submissions (3):

Labcorp Genetics (formerly Invitae), Labcorp
Classification: Likely benign for Arrhythmogenic right ventricular dysplasia 11. Last evaluated: 2024-03-04. Review status: criteria provided, single submitter. Criteria: Invitae Variant Classification Sherloc (09022015). Collection method: clinical testing. Allele origin: germline.

All of Us Research Program, National Institutes of Health
Classification: Likely benign for Familial isolated arrhythmogenic right ventricular dysplasia. Last evaluated: 2023-11-20. Review status: criteria provided, single submitter. Criteria: ACMG Guidelines, 2015. Collection method: clinical testing. Allele origin: germline. Inheritance: Autosomal dominant inheritance. Observed: 1 variant allele, 1 heterozygote.
Comment: This study involves interpretation of variants in research participants for the purpose of population health screening. Participant phenotype was not available at the time of variant classification. Additional details can be found in publication PMID: 35346344, PMCID: PMC8962531

Color Diagnostics, LLC DBA Color Health
Classification: Likely benign for Cardiomyopathy. Last evaluated: 2023-11-08. Review status: criteria provided, single submitter. Criteria: ACMG Guidelines, 2015. Collection method: clinical testing. Allele origin: germline.